The following is an entry in ClinVar:

ClinVar aggregate classification (germline): Likely benign. Review status: criteria provided, multiple submitters, no conflicts (2 of 4 stars). 3 submissions from 3 submitters: Likely benign (3). Last evaluated 2026-01-07.

Conditions:
Pheochromocytoma/paraganglioma syndrome 3. Also called: GLOMUS TUMORS, FAMILIAL, 3; Paragangliomas 3; SDHC-Related Hereditary Paraganglioma-Pheochromocytoma Syndrome (Paragangliomas 3); SDHC-Related Hereditary Paraganglioma-Pheochromocytoma Syndrome. Identifiers: Orphanet 29072, MedGen C1854336, MONDO:0011544, OMIM 605373.
Gastrointestinal stromal tumor. Also called: Gastrointestinal stromal tumor, somatic; Gastrointestinal stroma tumor. Identifiers: Orphanet 44890, MedGen C0238198, MeSH D046152, MONDO:0011719, OMIM 606764, HP:0100723.
Hereditary cancer-predisposing syndrome. Also called: Neoplastic Syndromes, Hereditary; Hereditary Cancer Syndrome; Hereditary neoplastic syndrome; Tumor predisposition. Identifiers: Orphanet 140162, MedGen C0027672, MeSH D009386, MONDO:0015356.
Hereditary pheochromocytoma and paraganglioma. Also called: Hereditary paragangliomas and pheochromocytomas; Hereditary Paraganglioma-Pheochromocytoma Syndromes; Hereditary pheochromocytoma-paraganglioma. Identifiers: Orphanet 29072, MedGen C4274332, MONDO:0017366.

Submissions (3):

Ambry Genetics
Classification: Likely benign for Hereditary cancer-predisposing syndrome. Last evaluated: 2026-01-07. Review status: criteria provided, single submitter. Criteria: Ambry Variant Classification Scheme 2023. Collection method: clinical testing. Allele origin: germline.

Labcorp Genetics (formerly Invitae), Labcorp
Classification: Likely benign for Pheochromocytoma/paraganglioma syndrome 3; Gastrointestinal stromal tumor. Last evaluated: 2024-08-06. Review status: criteria provided, single submitter. Criteria: Invitae Variant Classification Sherloc (09022015). Collection method: clinical testing. Allele origin: germline.

All of Us Research Program, National Institutes of Health
Classification: Likely benign for Hereditary pheochromocytoma and paraganglioma. Last evaluated: 2023-09-04. Review status: criteria provided, single submitter. Criteria: ACMG Guidelines, 2015. Collection method: clinical testing. Allele origin: germline. Inheritance: Autosomal dominant inheritance. Observed: 1 variant allele, 1 heterozygote.
Comment: This study involves interpretation of variants in research participants for the purpose of population health screening. Participant phenotype was not available at the time of variant classification. Additional details can be found in publication PMID: 35346344, PMCID: PMC8962531

NM_003001.5(SDHC):c.429G>A (p.Leu143=)

Gene: SDHC (succinate dehydrogenase complex subunit C; plus strand). Cytogenetic location: 1q23.3.
Variant type: single nucleotide variant.
Coding change: c.429G>A on transcript NM_003001.5 (MANE Select); coding-DNA position 429, G replaced by A.
Protein change: p.Leu143=; no amino-acid change (leucine 143 retained).
Molecular consequence: synonymous variant. On other transcripts: missense variant (3), non-coding transcript variant (1).
Genome position (GRCh38, 1-based): chr1:161,362,352, G>A. VCF-style: chr1-161362352-G-A. GRCh37 (hg19) VCF-style: chr1-161332142-G-A.
Other names: c.265G>A, p.Glu89Lys (NM_001035511.3); c.327G>A, p.Leu109= (NM_001035512.3); c.270G>A, p.Leu90= (NM_001035513.3); c.163G>A, p.Glu55Lys (NM_001278172.3); c.549G>A, p.Leu183= (NM_001407115.1); c.372G>A, p.Leu124= (NM_001407116.1); c.366G>A, p.Leu122= (NM_001407117.1); c.321G>A, p.Leu107= (NM_001407118.1); and 2 more; short protein forms E55K, E70K, E89K.
Identifiers: ClinVar variation 3073349 (VCV003073349.4), dbSNP rs2102385154, ClinGen allele CA343457638.